The following is an entry in ClinVar:

ClinVar aggregate classification (germline): Uncertain significance (1 of 4 stars; one submission).

Conditions:
Emery-Dreifuss muscular dystrophy 4, autosomal dominant (EDMD4). Also called: EMERY-DREIFUSS MUSCULAR DYSTROPHY 4 WITH VARIABLE FEATURES. Identifiers: Orphanet 261, MedGen C2751807, MONDO:0013071, OMIM 612998.
Autosomal recessive ataxia, Beauce type. Also called: Spinocerebellar ataxia, autosomal recessive 8; ATAXIA, RECESSIVE, OF BEAUCE; SYNE1 Deficiency; SYNE1-Related Autosomal Recessive Cerebellar Ataxia. Identifiers: Orphanet 88644, MedGen C1853116, MONDO:0012549, OMIM 610743.

Allele frequency attached by ClinVar (database versions not stated): gnomAD 0.00001; gnomAD exomes 0.00001; ExAC 0.00002; TOPMed 0.00002.
gnomAD v4.1: 7 of 1,613,968 alleles (0.00043%); highest among the groups gnomAD compares: Admixed American, 0.012%; no homozygotes.

Submission:

Labcorp Genetics (formerly Invitae), Labcorp
Classification: Uncertain significance for Emery-Dreifuss muscular dystrophy 4, autosomal dominant; Autosomal recessive ataxia, Beauce type. Last evaluated: 2024-03-09. Review status: criteria provided, single submitter. Criteria: Invitae Variant Classification Sherloc (09022015). Collection method: clinical testing. Allele origin: germline.
Comment: This sequence change replaces glutamic acid, which is acidic and polar, with valine, which is neutral and non-polar, at codon 256 of the SYNE1 protein (p.Glu256Val). This variant is present in population databases (rs750178248, gnomAD 0.006%). This variant has not been reported in the literature in individuals affected with SYNE1-related conditions. ClinVar contains an entry for this variant (Variation ID: 1519706). An algorithm developed to predict the effect of missense changes on protein structure and function (PolyPhen-2) suggests that this variant is likely to be disruptive. In summary, the available evidence is currently insufficient to determine the role of this variant in disease. Therefore, it has been classified as a Variant of Uncertain Significance.

NM_182961.4(SYNE1):c.746A>T (p.Glu249Val)

Gene: SYNE1 (spectrin repeat containing nuclear envelope protein 1; minus strand). Cytogenetic location: 6q25.2.
Variant type: single nucleotide variant.
Coding change: c.746A>T on transcript NM_182961.4 (MANE Select); coding-DNA position 746, A replaced by T.
Protein change: p.Glu249Val; replaces glutamic acid 249 with valine.
Molecular consequence: missense variant.
Genome position (GRCh38, 1-based): chr6:152,505,233, T>A on the plus strand (A>T on the coding strand, the complement: SYNE1 is on the minus strand). VCF-style: chr6-152505233-T-A. GRCh37 (hg19) VCF-style: chr6-152826368-T-A.
Other names: c.767A>T, p.Glu256Val (NM_033071.5); short protein forms E249V, E256V.
Identifiers: ClinVar variation 1519706 (VCV001519706.7), dbSNP rs750178248, ClinGen allele CA4059642.
Genomic context (GRCh38, chr6:152,505,233, plus strand): 5'-TATAACAGTCAATGAATATTCAGCCTACCTTCAGGATCTAGCAGTCTTGGGATCCCCAGT[T>A]CTGTTTCGGCGATAGTGAAAGCATCCTCCAAATTTTCTCGGTTGGATCTGCCTTTCACTG-3'
Protein context (NP_892006.3, residues 239-259): LEDAFTIAET[Glu249Val]LGIPRLLDPE